The following is an entry in ClinVar:

ClinVar aggregate classification (germline): Likely pathogenic. Review status: criteria provided, multiple submitters, no conflicts (2 of 4 stars). 6 submissions from 6 submitters: Likely pathogenic (3). 3 of the submissions do not count toward it. Last evaluated 2025-07-21.

Conditions:
RYR1-related disorder. Also called: RYR1-related condition; RYR1-related disorders. Identifiers: MedGen CN239331.
Central core myopathy (CMYO1A). Also called: CONGENITAL MYOPATHY 1A, AUTOSOMAL DOMINANT, WITH SUSCEPTIBILITY TO MALIGNANT HYPERTHERMIA; Central core disease; Myopathy, central fibrillar. Identifiers: Orphanet 597, MedGen C5830701, MONDO:0007294, OMIM 117000.

Allele frequency attached by ClinVar (database versions not stated): TOPMed 0.00001; ExAC 0.00001; ESP Exome Variant Server 0.00008.
gnomAD v4.1: 4 of 1,614,016 alleles (0.00025%); highest among the groups gnomAD compares: Non-Finnish European, 0.00034%; no homozygotes.

Submissions (6):

3billion
Classification: Likely pathogenic for Central core myopathy. Last evaluated: 2025-07-21. Review status: criteria provided, single submitter. Criteria: ACMG Guidelines, 2015. Collection method: clinical testing. Allele origin: germline. Affected: yes.
Comment: The variant is observed at an extremely low frequency in the gnomAD v4.1.0 dataset (total allele frequency: <0.001%). Predicted Consequence/Location: Missense variant In silico tool predictions suggest damaging effect of the variant on gene or gene product [REVEL: 0.83 (>=0.6, sensitivity 0.68 and specificity 0.92); 3Cnet: 0.98 (> 0.75, sensitivity 0.96 and precision 0.92)]. The same nucleotide change resulting in the same amino acid change has been previously reported as pathogenic/likely pathogenic with strong evidence (ClinVar ID: VCV000065926 /PMID: 11741831). Therefore, this variant is classified as Likely pathogenic according to the recommendation of ACMG/AMP guideline.

Labcorp Genetics (formerly Invitae), Labcorp
Classification: Likely pathogenic for RYR1-related disorder. Last evaluated: 2025-01-06. Review status: criteria provided, single submitter. Criteria: Invitae Variant Classification Sherloc (09022015). Collection method: clinical testing. Allele origin: germline.
Comment: This sequence change replaces alanine, which is neutral and non-polar, with valine, which is neutral and non-polar, at codon 4906 of the RYR1 protein (p.Ala4906Val). This variant is present in population databases (rs118192153, gnomAD 0.007%). This missense change has been observed in individuals with clinical features of central core disease (PMID: 11741831; internal data). This variant has been reported in individual(s) with clinical features of congenital fiber type disproportion (PMID: 30611313); however, the role of the variant in this condition is currently unclear. This variant is also known as A4905V. ClinVar contains an entry for this variant (Variation ID: 65926). Invitae Evidence Modeling of protein sequence and biophysical properties (such as structural, functional, and spatial information, amino acid conservation, physicochemical variation, residue mobility, and thermodynamic stability) indicates that this missense variant is not expected to disrupt RYR1 protein function with a negative predictive value of 80%. Experimental studies have shown that this missense change affects RYR1 function (PMID: 12642598). In summary, the currently available evidence indicates that the variant is pathogenic, but additional data are needed to prove that conclusively. Therefore, this variant has been classified as Likely Pathogenic.

GeneDx
Classification: Likely pathogenic. Last evaluated: 2024-02-27. Review status: criteria provided, single submitter. Criteria: GeneDx Variant Classification Process June 2021. Collection method: clinical testing. Allele origin: germline. Affected: yes.
Comment: In silico analysis supports that this missense variant has a deleterious effect on protein structure/function; Not observed at significant frequency in large population cohorts (gnomAD); This variant is associated with the following publications: (PMID: 12642598, 23558838, 27147545, 25637381, 30611313, 33767344, 20681998, 11741831)

CSER _CC_NCGL, University of Washington
Classification: Uncertain significance for Central core disease. Last evaluated: 2014-06-01. Review status: no assertion criteria provided. Collection method: research. Allele origin: germline. Inheritance: Autosomal dominant inheritance. Study: ESP 6500 variant annotation. Not counted in ClinVar's aggregate classification.
Comment: Variants classified for the Actionable exomic incidental findings in 6503 participants: challenges of variant classification manuscript

GeneReviews
Classification: Pathogenic for Central Core Disease. Last evaluated: 2010-05-11. Review status: no assertion criteria provided. Collection method: curation. Allele origin: unknown. Not counted in ClinVar's aggregate classification.
ClinVar note: Converted during submission from pathologic to Pathogenic.

RYR1 database
No classification provided. Review status: no classification provided. Collection method: not provided. Allele origin: unknown. Not counted in ClinVar's aggregate classification.

Literature cited by the submitters: PubMed 11741831 (cited by 3billion and Labcorp Genetics (formerly Invitae), Labcorp); PubMed 30611313 (cited by Labcorp Genetics (formerly Invitae), Labcorp); PubMed 12642598 (cited by Labcorp Genetics (formerly Invitae), Labcorp).

NM_000540.3(RYR1):c.14717C>T (p.Ala4906Val)

Gene: RYR1 (ryanodine receptor 1; plus strand). Cytogenetic location: 19q13.2.
Variant type: single nucleotide variant.
Coding change: c.14717C>T on transcript NM_000540.3 (MANE Select); coding-DNA position 14717, C replaced by T.
Protein change: p.Ala4906Val; replaces alanine 4906 with valine.
Molecular consequence: missense variant.
Genome position (GRCh38, 1-based): chr19:38,585,013, C>T. VCF-style: chr19-38585013-C-T. GRCh37 (hg19) VCF-style: chr19-39075653-C-T.
Other names: c.14702C>T, p.Ala4901Val (NM_001042723.2); short protein forms A4906V, A4901V.
Identifiers: ClinVar variation 65926 (VCV000065926.11), dbSNP rs118192153, ClinGen allele CA024241.